The following is an entry in ClinVar:

NM_000275.3(OCA2):c.632C>T (p.Pro211Leu)

Gene: OCA2 (OCA2 melanosomal transmembrane protein; minus strand). Cytogenetic location: 15q13.1.
Variant type: single nucleotide variant.
Coding change: c.632C>T on transcript NM_000275.3 (MANE Select); coding-DNA position 632, C replaced by T.
Protein change: p.Pro211Leu; replaces proline 211 with leucine.
Molecular consequence: missense variant.
Genome position (GRCh38, 1-based): chr15:28,022,515, G>A on the plus strand (C>T on the coding strand, the complement: OCA2 is on the minus strand). VCF-style: chr15-28022515-G-A. GRCh37 (hg19) VCF-style: chr15-28267661-G-A.
Other names: c.632C>T, p.Pro211Leu (NM_001300984.2); short protein forms P211L.
Identifiers: ClinVar variation 198064 (VCV000198064.27), dbSNP rs190612616, ClinGen allele CA246555.
Genomic context (GRCh38, chr15:28,022,515, plus strand): 5'-AGATCTCAGCCAGGCGGCTGGCCATCTCAGAGTGGATTTTGGATACAGTAGTTCTCCAGC[G>A]GTGATAAGGCCAACAGCTGCCAGAGCTTTCCTTGATCCGGATATAGGCTGAACAAAATCT-3'
Protein context (NP_000266.2, residues 201-221): GKLWQLLALS[Pro211Leu]LENYSVNLSS

ClinVar aggregate classification (germline): Conflicting classifications of pathogenicity. Review status: criteria provided, conflicting classifications (1 of 4 stars). 12 submissions from 12 submitters: Pathogenic (7); Likely pathogenic (4); Uncertain significance (1). Last evaluated 2026-05-30.

Conditions:
Albinism or congenital nystagmus.
OCA2-related disorder. Also called: OCA2-related condition.
Oculocutaneous albinism. Identifiers: Orphanet 55, MedGen C0078918, MONDO:0018910.
Tyrosinase-positive oculocutaneous albinism (OCA2). Also called: Albinism, oculocutaneous, type II; ALBINISM II; Oculocutaneous albinism type 2. Identifiers: Orphanet 79432, MedGen C0268495, MONDO:0008746, OMIM 203200.
SKIN/HAIR/EYE PIGMENTATION 1, BLUE/NONBLUE EYES (SHEP1). Also called: BROWN EYE COLOR 2; EYE COLOR 3; EYE COLOR, BLUE/NONBLUE; EYE COLOR, BROWN/BLUE; HAIR COLOR 3; SKIN/HAIR/EYE PIGMENTATION 1, BLOND/BROWN HAIR. Identifiers: MedGen C1856895, OMIM 227220.

Allele frequency attached by ClinVar (database versions not stated): gnomAD 0.00006; ESP Exome Variant Server 0.00008; gnomAD exomes 0.00008 and 0.00013; TOPMed 0.00010; ExAC 0.00015; 1000 Genomes Project 0.00040; 1000 Genomes Project 30x 0.00062.
gnomAD v4.1: 125 of 1,613,010 alleles (0.0077%); highest among the groups gnomAD compares: Admixed American, 0.042%; no homozygotes.

Submissions (12):

NHS Central & South Genomic Laboratory Hub
Classification: Likely pathogenic for Albinism or congenital nystagmus. Last evaluated: 2026-05-30. Review status: criteria provided, single submitter. Criteria: ACMG Guidelines, 2015. Collection method: clinical testing. Allele origin: germline. Affected: yes.

Labcorp Genetics (formerly Invitae), Labcorp
Classification: Pathogenic. Last evaluated: 2026-01-20. Review status: criteria provided, single submitter. Criteria: Invitae Variant Classification Sherloc (09022015). Collection method: clinical testing. Allele origin: germline.
Comment: This sequence change replaces proline, which is neutral and non-polar, with leucine, which is neutral and non-polar, at codon 211 of the OCA2 protein (p.Pro211Leu). This variant is present in population databases (rs190612616, gnomAD 0.06%). This missense change has been observed in individual(s) with oculocutaneous albinism (PMID: 12713581, 28976636, 29437493, 31077556, 31813138). In at least one individual the data is consistent with being in trans (on the opposite chromosome) from a pathogenic variant. ClinVar contains an entry for this variant (Variation ID: 198064). Invitae Evidence Modeling of protein sequence and biophysical properties (such as structural, functional, and spatial information, amino acid conservation, physicochemical variation, residue mobility, and thermodynamic stability) indicates that this missense variant is not expected to disrupt OCA2 protein function with a negative predictive value of 80%. This variant disrupts the p.Pro211 amino acid residue in OCA2. Other variant(s) that disrupt this residue have been observed in individuals with OCA2-related conditions (PMID: 25412400), which suggests that this may be a clinically significant amino acid residue. For these reasons, this variant has been classified as Pathogenic.

PreventionGenetics, part of Exact Sciences
Classification: Pathogenic for OCA2-related condition. Last evaluated: 2026-01-02. Review status: criteria provided, single submitter. Criteria: ACMG Guidelines, 2015. Collection method: clinical testing. Allele origin: germline.
Comment: The OCA2 c.632C>T variant is predicted to result in the amino acid substitution p.Pro211Leu. This variant has been reported in the compound heterozygous state in individuals with oculocutaneous albinism (Suzuki et al. 2003. PubMed ID: 12713581; Gao et al. 2017. PubMed ID: 28451379; Zhong et al. 2019. PubMed ID: 31077556). Additionally, an alternate substitution of the same amino acid (p.Pro211Ala) has also been reported in an individual with OCA (Table S7, Consugar et al. 2015. PubMed ID: 25412400). This variant is present in 0.065% of alleles in individuals of Latino descent in gnomAD. Given all the evidence, we interpret this variant as pathogenic.

GeneDx
Classification: Pathogenic. Last evaluated: 2025-09-12. Review status: criteria provided, single submitter. Criteria: GeneDx Variant Classification Process June 2021. Collection method: clinical testing. Allele origin: germline. Affected: yes.
Comment: In silico analysis supports that this missense variant has a deleterious effect on protein structure/function; This variant is associated with the following publications: (PMID: 12713581, 23824587, 21735174, 28976636, 19060277, 28451379, 32966289, 31077556, 36087940, 31813138, 31196117, 29437493, 34838614, 38707509, 25412400)

Women's Health and Genetics/Laboratory Corporation of America, LabCorp
Classification: Pathogenic for Oculocutaneous albinism. Last evaluated: 2025-06-23. Review status: criteria provided, single submitter. Criteria: LabCorp Variant Classification Summary - May 2015. Collection method: clinical testing. Allele origin: germline.
Comment: Variant summary: OCA2 c.632C>T (p.Pro211Leu) results in a non-conservative amino acid change in the encoded protein sequence. Algorithms developed to predict the effect of missense changes on protein structure and function are either unavailable or do not agree on the potential impact of this missense change. The variant allele was found at a frequency of 0.00013 in 251176 control chromosomes (gnomAD). This frequency is not significantly higher than estimated for a pathogenic variant in OCA2 causing Oculocutaneous Albinism (0.00013 vs 0.0043), allowing no conclusion about variant significance. c.632C>T has been observed in multiple individuals affected with Oculocutaneous Albinism (e.g., Suzuki_2003, Marti_2018, Zhong_2019, Ordonez-Labastida_2022, Wei_2022). These data indicate that the variant is very likely to be associated with disease. The following publications have been ascertained in the context of this evaluation (PMID: 12713581, 28976636, 31077556, 36087940, 34838614). ClinVar contains an entry for this variant (Variation ID: 198064). Based on the evidence outlined above, the variant was classified as pathogenic.

Laboratory of Genetic Epidemiology, Research Centre for Medical Genetics
Classification: Likely pathogenic for SKIN/HAIR/EYE PIGMENTATION 1, BLUE/NONBLUE EYES; Tyrosinase-positive oculocutaneous albinism. Last evaluated: 2025-01-01. Review status: criteria provided, single submitter. Criteria: ACMG Guidelines, 2015. Collection method: clinical testing. Allele origin: paternal. Inheritance: Autosomal recessive inheritance. Affected: yes. Observed: 1 compound heterozygote.
Comment: This variant has been previously reported in the literature (PMIDs: 12713581, 28976636, 36087940) and is listed in gnomAD v3.1.2 with allele frequency 0.00007 in Europe (5/68046). The affected amino acid position is evolutionarily conserved, and multiple in silico prediction tools support a deleterious effect. Taken together, the variant meets the following ACMG/AMP criteria and can be classified as likely pathogenic with PM2, PP3, PM3, PP5, PP4 criteria.

Blueprint Genetics
Classification: Pathogenic for OCA2-related disorders. Last evaluated: 2024-11-06. Review status: criteria provided, single submitter. Criteria: ACMG Guidelines, 2015. Collection method: clinical testing. Allele origin: germline. Affected: yes. Observed: 5 variant alleles.

Baylor Genetics
Classification: Pathogenic for SKIN/HAIR/EYE PIGMENTATION 1, BLUE/NONBLUE EYES. Last evaluated: 2024-02-19. Review status: criteria provided, single submitter. Criteria: ACMG Guidelines, 2015. Collection method: clinical testing. Allele origin: unknown.

Fulgent Genetics
Classification: Likely pathogenic for Tyrosinase-positive oculocutaneous albinism; SKIN/HAIR/EYE PIGMENTATION 1, BLUE/NONBLUE EYES. Last evaluated: 2023-12-22. Review status: criteria provided, single submitter. Criteria: ACMG Guidelines, 2015. Collection method: clinical testing. Allele origin: germline.

Genome-Nilou Lab
Classification: Likely pathogenic for Tyrosinase-positive oculocutaneous albinism. Last evaluated: 2021-11-07. Review status: criteria provided, single submitter. Criteria: ACMG Guidelines, 2015. Collection method: clinical testing. Allele origin: germline. Affected: no.

Eurofins Ntd Llc (ga)
Classification: Uncertain significance. Last evaluated: 2014-11-18. Review status: criteria provided, single submitter. Criteria: EGL Classification Definitions 2015. Collection method: clinical testing. Allele origin: germline. Observed: 1 variant allele, 1 heterozygote.

Juno Genomics, Hangzhou Juno Genomics, Inc
Classification: Pathogenic for Tyrosinase-positive oculocutaneous albinism. Review status: criteria provided, single submitter. Criteria: ACMG Guidelines, 2015. Collection method: clinical testing. Allele origin: germline.
Comment: Absent from controls (or at extremely low frequency if recessive) in Genome Aggregation Database.;Multiple lines of computational evidence support a deleterious effect on the gene or gene product.;For recessive disorders, detected in trans with a pathogenic variant.

Literature cited by the submitters: PubMed 12713581 (cited by 3 submitters); PubMed 28976636 (cited by 3 submitters); PubMed 29437493 (cited by Labcorp Genetics (formerly Invitae), Labcorp); PubMed 31077556 (cited by Labcorp Genetics (formerly Invitae), Labcorp and Women's Health and Genetics/Laboratory Corporation of America, LabCorp); PubMed 31813138 (cited by Labcorp Genetics (formerly Invitae), Labcorp); PubMed 25412400 (cited by Labcorp Genetics (formerly Invitae), Labcorp); PubMed 34838614 (cited by Women's Health and Genetics/Laboratory Corporation of America, LabCorp); PubMed 36087940 (cited by Women's Health and Genetics/Laboratory Corporation of America, LabCorp and Laboratory of Genetic Epidemiology, Research Centre for Medical Genetics); PubMed 41428507 (cited by Laboratory of Genetic Epidemiology, Research Centre for Medical Genetics).